The following is an entry in ClinVar:

NM_024996.7(GFM1):c.102A>G (p.Arg34=)

Gene: GFM1 (G elongation factor mitochondrial 1; plus strand). Cytogenetic location: 3q25.32.
Variant type: single nucleotide variant.
Coding change: c.102A>G on transcript NM_024996.7 (MANE Select); coding-DNA position 102, A replaced by G.
Protein change: p.Arg34=; no amino-acid change (arginine 34 retained).
Molecular consequence: synonymous variant. On other transcripts: 5 prime UTR variant (4), non-coding transcript variant (4).
Genome position (GRCh38, 1-based): chr3:158,645,649, A>G. VCF-style: chr3-158645649-A-G. GRCh37 (hg19) VCF-style: chr3-158363438-A-G.
Other names: c.102A>G, p.Arg34= (NM_001308164.2, NM_001308166.2, NM_001374355.1 and 2 more transcripts); c.-124A>G (NM_001374357.1); c.-128A>G (NM_001374359.1, NM_001374360.1, NM_001374361.1).
Identifiers: ClinVar variation 3054321 (VCV003054321.4), dbSNP rs751421756, ClinGen allele CA2682225.

ClinVar aggregate classification (germline): Likely benign. Review status: criteria provided, single submitter (1 of 4 stars). 2 submissions from 2 submitters: Likely benign (1). 1 of the submissions does not count toward it. Last evaluated 2024-02-01.

Conditions:
GFM1-related disorder. Also called: GFM1-related condition.

Allele frequency attached by ClinVar (database versions not stated): gnomAD exomes below 0.00001; TOPMed below 0.00001; ExAC 0.00001.
gnomAD v4.1: 1 of 1,612,988 alleles (0.000062%); highest among the groups gnomAD compares: South Asian, 0.0011%; no homozygotes.

Submissions (2):

Labcorp Genetics (formerly Invitae), Labcorp
Classification: Likely benign. Last evaluated: 2024-02-01. Review status: criteria provided, single submitter. Criteria: Invitae Variant Classification Sherloc (09022015). Collection method: clinical testing. Allele origin: germline.

PreventionGenetics, part of Exact Sciences
Classification: Likely benign for GFM1-related condition. Last evaluated: 2020-05-11. Review status: no assertion criteria provided. Collection method: clinical testing. Allele origin: germline. Not counted in ClinVar's aggregate classification.
Comment: This variant is classified as likely benign based on ACMG/AMP sequence variant interpretation guidelines (Richards et al. 2015 PMID: 25741868, with internal and published modifications).